The following is an entry in ClinVar:

ClinVar aggregate classification (germline): Uncertain significance (1 of 4 stars; one submission).

Submission:

Labcorp Genetics (formerly Invitae), Labcorp
Classification: Uncertain significance. Last evaluated: 2024-09-10. Review status: criteria provided, single submitter. Criteria: Invitae Variant Classification Sherloc (09022015). Collection method: clinical testing. Allele origin: germline.
Comment: This sequence change replaces threonine, which is neutral and polar, with isoleucine, which is neutral and non-polar, at codon 563 of the ABL1 protein (p.Thr563Ile). This variant is not present in population databases (gnomAD no frequency). This variant has not been reported in the literature in individuals affected with ABL1-related conditions. Invitae Evidence Modeling of protein sequence and biophysical properties (such as structural, functional, and spatial information, amino acid conservation, physicochemical variation, residue mobility, and thermodynamic stability) indicates that this missense variant is not expected to disrupt ABL1 protein function with a negative predictive value of 95%. In summary, the available evidence is currently insufficient to determine the role of this variant in disease. Therefore, it has been classified as a Variant of Uncertain Significance.

NM_005157.6(ABL1):c.1631C>T (p.Thr544Ile)

Gene: ABL1 (ABL proto-oncogene 1, non-receptor tyrosine kinase; plus strand). Cytogenetic location: 9q34.12.
Variant type: single nucleotide variant.
Coding change: c.1631C>T on transcript NM_005157.6 (MANE Select); coding-DNA position 1631, C replaced by T.
Protein change: p.Thr544Ile; replaces threonine 544 with isoleucine.
Molecular consequence: missense variant.
Genome position (GRCh38, 1-based): chr9:130,880,617, C>T. VCF-style: chr9-130880617-C-T. GRCh37 (hg19) VCF-style: chr9-133756004-C-T.
Other names: c.1688C>T, p.Thr563Ile (NM_007313.3); short protein forms T563I, T544I.
Identifiers: ClinVar variation 3635935 (VCV003635935.2).